The following is an entry in ClinVar:

ClinVar aggregate classification (germline): Uncertain significance (1 of 4 stars; one submission).

Allele frequency attached by ClinVar (database versions not stated): gnomAD exomes below 0.00001; TOPMed below 0.00001.
gnomAD v4.1: 2 of 1,614,110 alleles (0.00012%); highest among the groups gnomAD compares: Non-Finnish European, 0.00017%; no homozygotes.

Submission:

Labcorp Genetics (formerly Invitae), Labcorp
Classification: Uncertain significance. Last evaluated: 2020-11-24. Review status: criteria provided, single submitter. Criteria: Invitae Variant Classification Sherloc (09022015). Collection method: clinical testing. Allele origin: germline.
Comment: In summary, the available evidence is currently insufficient to determine the role of this variant in disease. Therefore, it has been classified as a Variant of Uncertain Significance. Algorithms developed to predict the effect of missense changes on protein structure and function output the following: SIFT: "Deleterious"; PolyPhen-2: "Benign"; Align-GVGD: "Class C55". The valine amino acid residue is found in multiple mammalian species, suggesting that this missense change does not adversely affect protein function. These predictions have not been confirmed by published functional studies and their clinical significance is uncertain. This variant has not been reported in the literature in individuals with USH2A-related conditions. This variant is not present in population databases (ExAC no frequency). This sequence change replaces alanine with valine at codon 3583 of the USH2A protein (p.Ala3583Val). The alanine residue is highly conserved and there is a small physicochemical difference between alanine and valine.

NM_206933.4(USH2A):c.10748C>T (p.Ala3583Val)

Gene: USH2A (usherin; minus strand). Cytogenetic location: 1q41.
Variant type: single nucleotide variant.
Coding change: c.10748C>T on transcript NM_206933.4 (MANE Select); coding-DNA position 10748, C replaced by T.
Protein change: p.Ala3583Val; replaces alanine 3583 with valine.
Molecular consequence: missense variant.
Genome position (GRCh38, 1-based): chr1:215,780,034, G>A on the plus strand (C>T on the coding strand, the complement: USH2A is on the minus strand). VCF-style: chr1-215780034-G-A. GRCh37 (hg19) VCF-style: chr1-215953376-G-A.
Other names: short protein forms A3583V.
Identifiers: ClinVar variation 1350736 (VCV001350736.8), dbSNP rs1661584369, ClinGen allele CA344834466.
Genomic context (GRCh38, chr1:215,780,034, plus strand): 5'-GCACTTAGGGCTGTGATGCTTGGTGGCAGGATGCTCTCCGGAACTCCTTGGGTAGTAGCT[G>A]CAACTACCTGAAGACGTAGGAATTAAGCAGCAATTTATTGTAATAGTGCACTAGCTATCC-3'
Protein context (NP_996816.3, residues 3573-3593): AGCATSSKVV[Ala3583Val]ATTQGVPESI